The following is an entry in ClinVar:

ClinVar aggregate classification (germline): Uncertain significance. Review status: criteria provided, multiple submitters, no conflicts (2 of 4 stars). 2 submissions from 2 submitters: Uncertain significance (2). Last evaluated 2026-09-21.

Conditions:
Cardiovascular phenotype. Identifiers: MedGen CN230736.

gnomAD v4.1: 1 of 1,613,588 alleles (0.000062%); highest among the groups gnomAD compares: African/African-American, 0.0013%; no homozygotes.

Submissions (2):

Molecular Diagnostic Laboratory for Inherited Cardiovascular Disease, Montreal Heart Institute
Classification: Uncertain significance for Cardiovascular phenotype. Last evaluated: 2026-09-21. Review status: criteria provided, single submitter. Criteria: ACMG Guidelines, 2015. Collection method: clinical testing. Allele origin: germline. Affected: yes.
Comment: PM1, PM2

Labcorp Genetics (formerly Invitae), Labcorp
Classification: Uncertain significance. Last evaluated: 2024-07-11. Review status: criteria provided, single submitter. Criteria: Invitae Variant Classification Sherloc (09022015). Collection method: clinical testing. Allele origin: germline.
Comment: This sequence change replaces lysine, which is basic and polar, with arginine, which is basic and polar, at codon 645 of the TNNI3K protein (p.Lys645Arg). This variant is not present in population databases (gnomAD no frequency). This variant has not been reported in the literature in individuals affected with TNNI3K-related conditions. An algorithm developed to predict the effect of missense changes on protein structure and function (PolyPhen-2) suggests that this variant is likely to be disruptive. In summary, the available evidence is currently insufficient to determine the role of this variant in disease. Therefore, it has been classified as a Variant of Uncertain Significance.

NM_015978.3(TNNI3K):c.1934A>G (p.Lys645Arg)

Genes: FPGT-TNNI3K (FPGT-TNNI3K readthrough; plus strand), TNNI3K (TNNI3 interacting kinase; plus strand). Cytogenetic location: 1p31.1.
Variant type: single nucleotide variant.
Coding change: c.1934A>G on transcript NM_015978.3 (MANE Select); coding-DNA position 1934, A replaced by G.
Protein change: p.Lys645Arg; replaces lysine 645 with arginine.
Molecular consequence: missense variant.
Genome position (GRCh38, 1-based): chr1:74,439,545, A>G. VCF-style: chr1-74439545-A-G. GRCh37 (hg19) VCF-style: chr1-74905229-A-G.
Other names: c.2237A>G, p.Lys746Arg (NM_001112808.3, NM_001199327.2); c.1934A>G (NM_015978.2); short protein forms K645R, K746R.
Identifiers: ClinVar variation 3652011 (VCV003652011.3).